The following is an entry in ClinVar:

NM_001127222.2(CACNA1A):c.6043G>A (p.Gly2015Arg)

Gene: CACNA1A (calcium voltage-gated channel subunit alpha1 A; minus strand). Cytogenetic location: 19p13.13.
Variant type: single nucleotide variant.
Coding change: c.6043G>A on transcript NM_001127222.2 (MANE Select); coding-DNA position 6043, G replaced by A.
Protein change: p.Gly2015Arg; replaces glycine 2015 with arginine.
Molecular consequence: missense variant.
Genome position (GRCh38, 1-based): chr19:13,212,638, C>T on the plus strand (G>A on the coding strand, the complement: CACNA1A is on the minus strand). VCF-style: chr19-13212638-C-T. GRCh37 (hg19) VCF-style: chr19-13323452-C-T.
Other names: c.6061G>A, p.Gly2021Arg (NM_000068.4, NM_023035.3); c.6046G>A, p.Gly2016Arg (NM_001127221.2); c.6052G>A, p.Gly2018Arg (NM_001174080.2); short protein forms G2018R, G2015R, G2021R, G2016R.
Identifiers: ClinVar variation 4792296 (VCV004792296.1).
Genomic context (GRCh38, chr19:13,212,638, plus strand): 5'-GTGGGGACCACGGCACCCCCACACTCCACCTCCCTGGCAGGGGTGACACTCACAGGGCTC[C>T]TCCTGGGTCCAGCTGGGTGGAGGGGAGGGCGTTCTGGCCAGGTCCCCCTTCCTGCGTTGG-3'
Protein context (NP_001120694.1, residues 2005-2025): ALPSTQLDPG[Gly2015Arg]ALMAHESGLK

ClinVar aggregate classification (germline): Uncertain significance (1 of 4 stars; one submission).

Conditions:
Episodic ataxia type 2 (EA2). Also called: ACETAZOLAMIDE-RESPONSIVE HEREDITARY PAROXYSMAL CEREBELLAR ATAXIA; ATAXIA, EPISODIC, WITH NYSTAGMUS; ATAXIA, FAMILIAL PAROXYSMAL; CEREBELLAR ATAXIA, PAROXYSMAL, ACETAZOLAMIDE-RESPONSIVE; CEREBELLOPATHY, HEREDITARY PAROXYSMAL; EPISODIC ATAXIA, NYSTAGMUS-ASSOCIATED. Identifiers: Orphanet 97, MedGen C1720416, MONDO:0007163, OMIM 108500.
Developmental and epileptic encephalopathy, 42 (DEE42A). Also called: Epileptic encephalopathy, early infantile, 42; DEVELOPMENTAL AND EPILEPTIC ENCEPHALOPATHY 42A; EPILEPTIC ENCEPHALOPATHY, EARLY INFANTILE, 42A. Identifiers: MedGen C4310716, MONDO:0014917, OMIM 617106.

Submission:

Labcorp Genetics (formerly Invitae), Labcorp
Classification: Uncertain significance for Developmental and epileptic encephalopathy, 42; Episodic ataxia type 2. Last evaluated: 2025-05-07. Review status: criteria provided, single submitter. Criteria: Invitae Variant Classification Sherloc (09022015). Collection method: clinical testing. Allele origin: germline.
Comment: This sequence change replaces glycine, which is neutral and non-polar, with arginine, which is basic and polar, at codon 2016 of the CACNA1A protein (p.Gly2016Arg). This variant is not present in population databases (gnomAD no frequency). This variant has not been reported in the literature in individuals affected with CACNA1A-related conditions. Invitae Evidence Modeling of protein sequence and biophysical properties (such as structural, functional, and spatial information, amino acid conservation, physicochemical variation, residue mobility, and thermodynamic stability) indicates that this missense variant is not expected to disrupt CACNA1A protein function with a negative predictive value of 95%. In summary, the available evidence is currently insufficient to determine the role of this variant in disease. Therefore, it has been classified as a Variant of Uncertain Significance.